The following is an entry in ClinVar:

NM_004380.3(CREBBP):c.7233G>A (p.Gln2411=)

Gene: CREBBP (CREB binding lysine acetyltransferase; minus strand). Cytogenetic location: 16p13.3.
Variant type: single nucleotide variant.
Coding change: c.7233G>A on transcript NM_004380.3 (MANE Select); coding-DNA position 7233, G replaced by A.
Protein change: p.Gln2411=; no amino-acid change (glutamine 2411 retained).
Molecular consequence: synonymous variant.
Genome position (GRCh38, 1-based): chr16:3,727,814, C>T on the plus strand (G>A on the coding strand, the complement: CREBBP is on the minus strand). VCF-style: chr16-3727814-C-T. GRCh37 (hg19) VCF-style: chr16-3777815-C-T.
Other names: c.7119G>A, p.Gln2373= (NM_001079846.1).
Identifiers: ClinVar variation 4977728 (VCV004977728.1).
Genomic context (GRCh38, chr16:3,727,814, plus strand): 5'-CGTGGTGTCCCCGACCAGGGACAGTTCGCTGGACAGCGCACTCCTGCTGGGGGTGTTCAG[C>T]TGGGGGAGCATTGCACTCTGTTCGGGGTTCCCCAAGTGTCCCTGATCTATGGAGCTGGCC-3'
Protein context (NP_004371.2, residues 2401-2421): GNPEQSAMLP[Gln2411=]LNTPSRSALS

ClinVar aggregate classification (germline): Likely benign (1 of 4 stars; one submission).

Conditions:
CREBBP-related disorder. Also called: CREBBP-related condition; CREBBP-related disorders.

gnomAD v4.1: 46 of 1,614,176 alleles (0.0028%); highest among the groups gnomAD compares: Non-Finnish European, 0.0038%; no homozygotes.

Submission:

PreventionGenetics, part of Exact Sciences
Classification: Likely benign for CREBBP-related condition. Last evaluated: 2024-12-09. Review status: criteria provided, single submitter. Criteria: ACMG Guidelines, 2015. Collection method: clinical testing. Allele origin: germline.
Comment: This variant is classified as likely benign based on ACMG/AMP sequence variant interpretation guidelines (Richards et al. 2015 PMID: 25741868, with internal and published modifications).